The following is an entry in ClinVar:

ClinVar aggregate classification (germline): Uncertain significance (1 of 4 stars; one submission).

Conditions:
Autosomal recessive spinocerebellar ataxia 12. Also called: SPINOCEREBELLAR ATAXIA WITH MENTAL RETARDATION AND EPILEPSY. Identifiers: Orphanet 284282, MedGen C3280452, MONDO:0013687, OMIM 614322.
Developmental and epileptic encephalopathy, 1 (DEE1). Also called: X-linked infantile spasms; West's syndrome; Tonic spasms with clustering, arrest of psychomotor development and hypsarrhythmia on EEG; X-Linked Infantile Spasm Syndrome; OHTAHARA SYNDROME, X-LINKED; Epileptic encephalopathy, early infantile, 1. Identifiers: MedGen C3463992, MONDO:0010632, OMIM 308350. Disease mechanism: loss of function.

gnomAD v4.1: 3 of 1,614,000 alleles (0.00019%); highest among the groups gnomAD compares: Admixed American, 0.005%; no homozygotes.

Submission:

Labcorp Genetics (formerly Invitae), Labcorp
Classification: Uncertain significance for Developmental and epileptic encephalopathy, 1; Autosomal recessive spinocerebellar ataxia 12. Last evaluated: 2020-04-01. Review status: criteria provided, single submitter. Criteria: Invitae Variant Classification Sherloc (09022015). Collection method: clinical testing. Allele origin: germline.
Comment: This sequence change replaces aspartic acid with histidine at codon 286 of the WWOX protein (p.Asp286His). The aspartic acid residue is weakly conserved and there is a moderate physicochemical difference between aspartic acid and histidine. In summary, the available evidence is currently insufficient to determine the role of this variant in disease. Therefore, it has been classified as a Variant of Uncertain Significance. Algorithms developed to predict the effect of missense changes on protein structure and function are either unavailable or do not agree on the potential impact of this missense change (SIFT: "Not Available"; PolyPhen-2: "Benign"; Align-GVGD: "Not Available"). This variant has not been reported in the literature in individuals with WWOX-related conditions. This variant is present in population databases (rs374658336, ExAC 0.009%).

NM_016373.4(WWOX):c.856G>C (p.Asp286His)

Gene: WWOX (WW domain containing oxidoreductase; plus strand). Cytogenetic location: 16q23.1.
Variant type: single nucleotide variant.
Coding change: c.856G>C on transcript NM_016373.4 (MANE Select); coding-DNA position 856, G replaced by C.
Protein change: p.Asp286His; replaces aspartic acid 286 with histidine.
Molecular consequence: missense variant.
Genome position (GRCh38, 1-based): chr16:78,432,552, G>C. VCF-style: chr16-78432552-G-C. GRCh37 (hg19) VCF-style: chr16-78466449-G-C.
Other names: c.517G>C, p.Asp173His (NM_001291997.2); short protein forms D173H, D286H.
Identifiers: ClinVar variation 1052868 (VCV001052868.5), dbSNP rs374658336, ClinGen allele CA8183521.